The following is an entry in ClinVar:

ClinVar aggregate classification (germline): Pathogenic. Review status: criteria provided, multiple submitters, no conflicts (2 of 4 stars). 2 submissions from 2 submitters: Pathogenic (2). Last evaluated 2026-06-29.

Conditions:
Hereditary cancer-predisposing syndrome. Also called: Tumor predisposition; Hereditary neoplastic syndrome; Hereditary Cancer Syndrome; Neoplastic Syndromes, Hereditary. Identifiers: Orphanet 140162, MedGen C0027672, MeSH D009386, MONDO:0015356.
Hereditary nonpolyposis colorectal neoplasms. Identifiers: MedGen C0009405, MeSH D003123.

Submissions (2):

Ambry Genetics
Classification: Pathogenic for Hereditary cancer-predisposing syndrome. Last evaluated: 2026-06-29. Review status: criteria provided, single submitter. Criteria: Ambry Variant Classification Scheme 2023. Collection method: clinical testing. Allele origin: germline.
Comment: The c.750_757delCGTGTGTG pathogenic mutation, located in coding exon 7 of the PMS2 gene, results from a deletion of 8 nucleotides at nucleotide positions 750 to 757, causing a translational frameshift with a predicted alternate stop codon (p.V251Rfs*12). This variant is considered to be rare based on population cohorts in the Genome Aggregation Database (gnomAD). This alteration is expected to result in loss of function by premature protein truncation or nonsense-mediated mRNA decay. As such, this alteration is interpreted as a disease-causing mutation.

Labcorp Genetics (formerly Invitae), Labcorp
Classification: Pathogenic for Hereditary nonpolyposis colorectal neoplasms. Last evaluated: 2024-07-19. Review status: criteria provided, single submitter. Criteria: Invitae Variant Classification Sherloc (09022015). Collection method: clinical testing. Allele origin: germline.
Comment: This sequence change creates a premature translational stop signal (p.Val251Argfs*12) in the PMS2 gene. It is expected to result in an absent or disrupted protein product. Loss-of-function variants in PMS2 are known to be pathogenic (PMID: 21376568, 24362816). This variant is not present in population databases (gnomAD no frequency). This variant has not been reported in the literature in individuals affected with PMS2-related conditions. For these reasons, this variant has been classified as Pathogenic.

Literature cited by the submitters: PubMed 21376568 (cited by Labcorp Genetics (formerly Invitae), Labcorp); PubMed 24362816 (cited by Labcorp Genetics (formerly Invitae), Labcorp).

NM_000535.7(PMS2):c.750_757del (p.Val251fs)

Gene: PMS2 (PMS1 homolog 2, mismatch repair system component; minus strand). Cytogenetic location: 7p22.1.
Variant type: Deletion.
Coding change: c.750_757del on transcript NM_000535.7 (MANE Select); coding-DNA positions 750 to 757, 8 bases deleted (CGTGTGTG; older notation c.750_757delCGTGTGTG).
Protein change: p.Val251fs; shifts the reading frame from valine 251.
Molecular consequence: frameshift variant. On other transcripts: 5 prime UTR variant (2), non-coding transcript variant (1), intron variant (3).
Genome position (GRCh38, 1-based): chr7:5,997,372-5,997,379, CACACACG deleted on the plus strand (CGTGTGTG on the coding strand, the reverse complement: PMS2 is on the minus strand). VCF-style (leftmost placement, unchanged base first): chr7-5997371-TCACACACG-T. GRCh37 (hg19) VCF-style: chr7-6037002-TCACACACG-T.
Other names: c.345_352del, p.Val116fs (NM_001322003.2, NM_001322004.2, NM_001322005.2 and 19 more transcripts); c.750_757del, p.Val251fs (NM_001322006.2, NM_001322014.2, NM_001406870.1 and 3 more transcripts); c.432_439del, p.Val145fs (NM_001322007.2, NM_001322008.2, NM_001406876.1 and 4 more transcripts); c.-184_-177del (NM_001322011.2, NM_001322012.2); c.177_184del, p.Val60fs (NM_001322013.2, NM_001406909.1); c.441_448del, p.Val148fs (NM_001322015.2, NM_001406875.1, NM_001406877.1 and 6 more transcripts); c.936_943del, p.Val313fs (NM_001406866.1); c.774_781del, p.Val259fs (NM_001406868.1); and 7 more; short protein forms V116fs, V148fs, V313fs, V139fs, V145fs, V195fs, V60fs, V215fs.
Identifiers: ClinVar variation 3643187 (VCV003643187.3).